The following is an entry in ClinVar:

ClinVar aggregate classification (germline): Uncertain significance (1 of 4 stars; one submission).

Submission:

GeneDx
Classification: Uncertain significance. Last evaluated: 2026-02-04. Review status: criteria provided, single submitter. Criteria: GeneDx Variant Classification Process June 2021. Collection method: clinical testing. Allele origin: germline.
Comment: Not observed at significant frequency in large population cohorts (gnomAD); In silico analysis supports a deleterious effect on splicing; Has not been previously published as pathogenic or benign to our knowledge

NM_134261.3(RORA):c.424+4A>C

Genes: RORA (RAR related orphan receptor A; minus strand), RORA-AS1 (RORA antisense RNA 1; plus strand). Cytogenetic location: 15q22.2.
Variant type: single nucleotide variant.
Coding change: c.424+4A>C on transcript NM_134261.3 (MANE Select); 4 bases into the intron after coding-DNA position 424, A replaced by C.
Molecular consequence: intron variant.
Genome position (GRCh38, 1-based): chr15:60,514,612, T>G on the plus strand (A>C on the coding strand, the complement: RORA is on the minus strand). VCF-style: chr15-60514612-T-G. GRCh37 (hg19) VCF-style: chr15-60806811-T-G.
Other names: c.523+4A>C (NM_134260.3); c.499+4A>C (NM_002943.4); c.259+4A>C (NM_134262.3).
Identifiers: ClinVar variation 3367380 (VCV003367380.2).
Genomic context (GRCh38, chr15:60,514,612, plus strand): 5'-CCAGGTTTCAGAAGGCACTTTCACAACCCCGTGCAACTGTACAACTCAAGCTGTGAGAGC[T>G]CACCATCTCGAGACATCCCTACGGCAAGGCATTTCTGTAATCGACAGTGTTGGCAGCGGT-3'